The following is an entry in ClinVar:

NM_002193.4(INHBB):c.-8G>A

Gene: INHBB (inhibin subunit beta B; plus strand). Cytogenetic location: 2q14.2.
Variant type: single nucleotide variant.
Coding change: c.-8G>A on transcript NM_002193.4 (MANE Select); 8 bases upstream of the start codon, G replaced by A.
Molecular consequence: 5 prime UTR variant.
Genome position (GRCh38, 1-based): chr2:120,346,181, G>A. VCF-style: chr2-120346181-G-A. GRCh37 (hg19) VCF-style: chr2-121103757-G-A.
Identifiers: ClinVar variation 2651314 (VCV002651314.24), dbSNP rs1002875809, ClinGen allele CA54652929.

ClinVar aggregate classification (germline): Benign (1 of 4 stars; one submission).

Allele frequency attached by ClinVar (database versions not stated): 1000 Genomes Project 30x 0.00125; TOPMed 0.00619.
gnomAD v4.1: 11,047 of 1,169,920 alleles (0.94%); highest among the groups gnomAD compares: Non-Finnish European, 1.1%; 72 homozygotes.

Submission:

CeGaT Center for Human Genetics Tuebingen
Classification: Benign. Last evaluated: 2022-12-01. Review status: criteria provided, single submitter. Criteria: CeGaT Center For Human Genetics Tuebingen Variant Classification Criteria Version 2. Collection method: clinical testing. Allele origin: germline. Affected: yes. Observed: 1 variant allele.
Comment: INHBB: BS1, BS2